The following is an entry in ClinVar:

ClinVar aggregate classification (germline): Benign/Likely benign. Review status: criteria provided, multiple submitters, no conflicts (2 of 4 stars). 17 submissions from 17 submitters: Benign (11); Likely benign (4). 2 of the submissions do not count toward it. Last evaluated 2026-09-01.

Conditions:
Cardiac arrhythmia. Also called: Arrhythmia; Cardiac rhythm disease. Identifiers: MedGen C0003811, MONDO:0007263, HP:0011675.
Cardiovascular phenotype. Identifiers: MedGen CN230736.
Long QT syndrome (LQTS). Identifiers: MedGen C0023976, MeSH D008133, MONDO:0002442. Disease mechanism: loss of function. Inheritance: Various modes of inheritance.
Cardiomyopathy (CMYO). Also called: Cardiomyopathies. Identifiers: Orphanet 167848, MedGen C0878544, MONDO:0004994, HP:0001638. Inheritance: Various modes of inheritance.
Cardiac arrhythmia, ankyrin-B-related. Also called: ANKYRIN-B SYNDROME. Identifiers: Orphanet 101016, Orphanet 768, MedGen C1970119, MONDO:0010958, OMIM 600919.

Allele frequency attached by ClinVar (database versions not stated): ExAC 0.00325; 1000 Genomes Project 30x 0.01202; gnomAD 0.00961 and 0.01031; gnomAD exomes 0.00246; 1000 Genomes Project 0.00998; TOPMed 0.01114.
gnomAD v4.1: 2,830 of 1,614,058 alleles (0.18%); highest among the groups gnomAD compares: African/African-American, 3.3%; 55 homozygotes.

Submissions (17):

CeGaT Center for Human Genetics Tuebingen
Classification: Likely benign. Last evaluated: 2026-09-01. Review status: criteria provided, single submitter. Criteria: CeGaT Center For Human Genetics Tuebingen Variant Classification Criteria Version 2. Collection method: clinical testing. Allele origin: germline. Affected: yes. Observed: 5 variant alleles.
Comment: ANK2: BP4

Labcorp Genetics (formerly Invitae), Labcorp
Classification: Benign for Long QT syndrome. Last evaluated: 2026-02-01. Review status: criteria provided, single submitter. Criteria: Invitae Variant Classification Sherloc (09022015). Collection method: clinical testing. Allele origin: germline.

Molecular Diagnostic Laboratory for Inherited Cardiovascular Disease, Montreal Heart Institute
Classification: Benign. Last evaluated: 2025-04-09. Review status: criteria provided, single submitter. Criteria: ACMG Guidelines, 2015. Collection method: clinical testing. Allele origin: germline. Affected: no.

Mayo Clinic Laboratories, Mayo Clinic
Classification: Benign. Last evaluated: 2024-07-25. Review status: criteria provided, single submitter. Criteria: ACMG Guidelines, 2015. Collection method: clinical testing. Allele origin: germline. Observed: 5 variant alleles.
Comment: BS1, BS2, BP4

ARUP Laboratories, Molecular Genetics and Genomics, ARUP Laboratories
Classification: Benign. Last evaluated: 2023-09-21. Review status: criteria provided, single submitter. Criteria: ARUP Molecular Germline Variant Investigation Process 2024. Collection method: clinical testing. Allele origin: germline.

Fulgent Genetics
Classification: Benign for Cardiac arrhythmia, ankyrin-B-related. Last evaluated: 2022-04-08. Review status: criteria provided, single submitter. Criteria: ACMG Guidelines, 2015. Collection method: clinical testing. Allele origin: unknown.

Genome-Nilou Lab
Classification: Benign for Cardiac arrhythmia, ankyrin-B-related. Last evaluated: 2021-12-05. Review status: criteria provided, single submitter. Criteria: ACMG Guidelines, 2015. Collection method: clinical testing. Allele origin: germline. Affected: no.

Women's Health and Genetics/Laboratory Corporation of America, LabCorp
Classification: Benign. Last evaluated: 2021-08-16. Review status: criteria provided, single submitter. Criteria: LabCorp Variant Classification Summary - May 2015. Collection method: clinical testing. Allele origin: germline.
Comment: Variant summary: ANK2 c.11218C>A (p.Leu3740Ile) results in a conservative amino acid change in the encoded protein sequence. Four of five in-silico tools predict a benign effect of the variant on protein function. The variant allele was found at a frequency of 0.0025 in 252716 control chromosomes in the gnomAD database, including 10 homozygotes. The observed variant frequency is approximately 245 fold of the estimated maximal expected allele frequency for a pathogenic variant in ANK2 causing Arrhythmia phenotype (1e-05), strongly suggesting that the variant is benign. c.11218C>A has been reported in the literature in sequencing studies of individuals affected with Arrhythmic/SIDS/cardiac phenotypes without strong evidence of causality (example, Mohler_2004, Sherman_2005, Ng_2013, Methner_2016, Neubauer_2017). These data do not allow any conclusion about variant significance. At least one publication reports experimental evidence evaluating an impact on protein function. The most pronounced variant effect results in a mild loss-of-function that may confer arrhythmia susceptibility in the context of secondary risk factors including environment,medication,and/or additional genetic variation (example, Musa_2016). However, to our knowledge, no large scale case control studies reporting the odds ratio (OR) and relative risk for an association of this variant with phenotypes of Arrythmia have been reported at present. Therefore, the exact consequences of these findings in settings of a penetrant and inheritable arrythmic phenotype is not substantiated. Six clinical diagnostic laboratories have submitted clinical-significance assessments for this variant to ClinVar after 2014 without evidence for independent evaluation. All laboratories classified the variant as benign/likely benign. Based on the evidence outlined above, the variant was classified as benign.

Center for Advanced Laboratory Medicine, UC San Diego Health, University of California San Diego
Classification: Benign for Cardiomyopathy. Last evaluated: 2019-02-16. Review status: criteria provided, single submitter. Criteria: ACMG Guidelines, 2015. Collection method: clinical testing. Allele origin: germline. Affected: yes. Observed: 1 variant allele.

GeneDx
Classification: Benign. Last evaluated: 2018-11-28. Review status: criteria provided, single submitter. Criteria: GeneDx Variant Classification Process June 2021. Collection method: clinical testing. Allele origin: germline. Affected: yes.
Comment: This variant is associated with the following publications: (PMID: 28074886, 27298202, 26168218, 15178757, 22995991)

Center for Pediatric Genomic Medicine, Children's Mercy Hospital and Clinics
Classification: Likely benign. Last evaluated: 2017-05-04. Review status: criteria provided, single submitter. Criteria: ACMG Guidelines, 2015. Collection method: clinical testing. Allele origin: germline.

Illumina Laboratory Services, Illumina
Classification: Likely benign for Cardiac arrhythmia, ankyrin-B-related. Last evaluated: 2017-04-27. Review status: criteria provided, single submitter. Criteria: ICSL Variant Classification Criteria 13 December 2019. Collection method: clinical testing. Allele origin: germline.
Comment: This variant was observed as part of a predisposition screen in an ostensibly healthy population. A literature search was performed for the gene, cDNA change, and amino acid change (where applicable). Publications were found based on this search. The evidence from the literature, in combination with allele frequency data from public databases where available, was sufficient to determine this variant is unlikely to cause disease. Therefore, this variant is classified as likely benign.

Ambry Genetics
Classification: Benign for Cardiovascular phenotype. Last evaluated: 2015-07-16. Review status: criteria provided, single submitter. Criteria: Ambry Variant Classification Scheme 2023. Collection method: clinical testing. Allele origin: germline.

Biesecker Lab/Clinical Genomics Section, National Institutes of Health
Classification: Benign for Cardiac arrhythmia. Last evaluated: 2013-06-24. Review status: criteria provided, single submitter. Criteria: Ng et al. (Circ Cardiovasc Genet. 2013). Collection method: research. Allele origin: unknown. Observed: 3 variant alleles. Study: ClinSeq.
Comment: The study set was not selected for affection status in relation to any cancer. Pathogenicity categories were based on literature curation. See Pubmed ID:23861362 for details.

Medical sequencing

Breakthrough Genomics
Classification: Likely benign. Review status: criteria provided, single submitter. Criteria: ACMG Guidelines, 2015. Collection method: not provided. Allele origin: germline. Inheritance: Autosomal dominant inheritance. Affected: yes.

OMIM
Classification: Pathogenic for CARDIAC ARRHYTHMIA, ANKYRIN-B-RELATED. Last evaluated: 2004-06-15. Review status: no assertion criteria provided. Collection method: literature only. Allele origin: germline. Not counted in ClinVar's aggregate classification.

Cardiovascular Biomedical Research Unit, Royal Brompton & Harefield NHS Foundation Trust
No classification provided. Review status: no classification provided. Collection method: literature only. Allele origin: germline. Not counted in ClinVar's aggregate classification.
Comment: This variant has been reported in the following publications (PMID:15178757).

Literature cited by the submitters: PubMed 15178757 (cited by 4 submitters); PubMed 16253912 (cited by Women's Health and Genetics/Laboratory Corporation of America, LabCorp); PubMed 17242276 (cited by Women's Health and Genetics/Laboratory Corporation of America, LabCorp); PubMed 22995991 (cited by Women's Health and Genetics/Laboratory Corporation of America, LabCorp and Illumina Laboratory Services, Illumina); PubMed 23861362 (cited by Women's Health and Genetics/Laboratory Corporation of America, LabCorp); PubMed 28074886 (cited by Women's Health and Genetics/Laboratory Corporation of America, LabCorp); PubMed 27435932 (cited by Women's Health and Genetics/Laboratory Corporation of America, LabCorp); PubMed 27298202 (cited by Women's Health and Genetics/Laboratory Corporation of America, LabCorp); PubMed 26168218 (cited by Illumina Laboratory Services, Illumina); PubMed 22581653 (cited by Cardiovascular Biomedical Research Unit, Royal Brompton & Harefield NHS Foundation Trust).

NM_001148.6(ANK2):c.11218C>A (p.Leu3740Ile)

Gene: ANK2 (ankyrin 2; plus strand). Cytogenetic location: 4q26.
Variant type: single nucleotide variant.
Coding change: c.11218C>A on transcript NM_001148.6 (MANE Select); coding-DNA position 11218, C replaced by A.
Protein change: p.Leu3740Ile; replaces leucine 3740 with isoleucine.
Molecular consequence: missense variant.
Genome position (GRCh38, 1-based): chr4:113,367,751, C>A. VCF-style: chr4-113367751-C-A. GRCh37 (hg19) VCF-style: chr4-114288907-C-A.
Other names: p.Leu1655Ile; c.4936C>A, p.Leu1646Ile (NM_001127493.3); c.4975C>A, p.Leu1659Ile (NM_001354225.2); c.4864C>A, p.Leu1622Ile (NM_001354228.2, NM_001354258.2); c.4942C>A, p.Leu1648Ile (NM_001354230.2); c.5005C>A, p.Leu1669Ile (NM_001354231.2, NM_001354242.2); c.4999C>A, p.Leu1667Ile (NM_001354232.2); c.4960C>A, p.Leu1654Ile (NM_001354235.2, NM_001354246.2, NM_001354265.2); and 38 more; short protein forms L1622I, L1646I, L3740I, L1655I, L1527I, L1638I, L1667I, L831I.
Identifiers: ClinVar variation 18058 (VCV000018058.58), dbSNP rs35530544, ClinGen allele CA199910.